The following is an entry in ClinVar:

NM_014927.5(CNKSR2):c.754C>T (p.Arg252Trp)

Gene: CNKSR2 (connector enhancer of kinase suppressor of Ras 2; plus strand). Cytogenetic location: Xp22.12.
Variant type: single nucleotide variant.
Coding change: c.754C>T on transcript NM_014927.5 (MANE Select); coding-DNA position 754, C replaced by T.
Protein change: p.Arg252Trp; replaces arginine 252 with tryptophan.
Molecular consequence: missense variant.
Genome position (GRCh38, 1-based): chrX:21,501,532, C>T. VCF-style: chrX-21501532-C-T. GRCh37 (hg19) VCF-style: chrX-21519650-C-T.
Other names: c.754C>T, p.Arg252Trp (NM_001168647.3, NM_001168648.3, NM_001168649.3 and 4 more transcripts); short protein forms R252W.
Identifiers: ClinVar variation 3361637 (VCV003361637.1).

ClinVar aggregate classification (germline): Likely pathogenic (1 of 4 stars; one submission).

gnomAD v4.1: 1 of 1,148,421 alleles (0.000087%); highest among the groups gnomAD compares: Non-Finnish European, 0.00012%; no homozygotes.

Submission:

GeneDx
Classification: Likely pathogenic. Last evaluated: 2024-04-05. Review status: criteria provided, single submitter. Criteria: GeneDx Variant Classification Process June 2021. Collection method: clinical testing. Allele origin: germline. Affected: yes.
Comment: Identified in an individual with neurodevelopmental disorder; however, additional clinical details were not provided (PMID: 33004838); Not observed at significant frequency in large population cohorts (gnomAD); In silico analysis supports that this missense variant has a deleterious effect on protein structure/function; This variant is associated with the following publications: (PMID: 33004838)